The following is an entry in ClinVar:

ClinVar aggregate classification (germline): Uncertain significance (1 of 4 stars; one submission).

Conditions:
Familial adenomatous polyposis 1 (FAP1). Also called: FAMILIAL ADENOMATOUS POLYPOSIS 1, ATTENUATED; POLYPOSIS, ADENOMATOUS INTESTINAL. Identifiers: MedGen C2713442, MONDO:0021056, OMIM 175100. Disease mechanism: loss of function.

Submission:

Labcorp Genetics (formerly Invitae), Labcorp
Classification: Uncertain significance for Familial adenomatous polyposis 1. Last evaluated: 2017-10-23. Review status: criteria provided, single submitter. Criteria: Invitae Variant Classification Sherloc (09022015). Collection method: clinical testing. Allele origin: germline.
Comment: This variant is not present in population databases (ExAC no frequency). This variant has not been reported in the literature in individuals with APC-related disease. Algorithms developed to predict the effect of missense changes on protein structure and function do not agree on the potential impact of this missense change (SIFT: "Tolerated"; PolyPhen-2: "Probably Damaging"; Align-GVGD: "Class C0"). In summary, the available evidence is currently insufficient to determine the role of this variant in disease. Therefore, it has been classified as a Variant of Uncertain Significance. This sequence change replaces lysine with arginine at codon 2049 of the APC protein (p.Lys2049Arg). The lysine residue is highly conserved and there is a small physicochemical difference between lysine and arginine.

NM_000038.6(APC):c.6146A>G (p.Lys2049Arg)

Gene: APC (APC regulator of Wnt signaling pathway; plus strand). Cytogenetic location: 5q22.2.
Variant type: single nucleotide variant.
Coding change: c.6146A>G on transcript NM_000038.6 (MANE Select); coding-DNA position 6146, A replaced by G.
Protein change: p.Lys2049Arg; replaces lysine 2049 with arginine.
Molecular consequence: missense variant.
Genome position (GRCh38, 1-based): chr5:112,841,740, A>G. VCF-style: chr5-112841740-A-G. GRCh37 (hg19) VCF-style: chr5-112177437-A-G.
Other names: c.6146A>G, p.Lys2049Arg (NM_001127510.3, NM_001354895.2); c.6092A>G, p.Lys2031Arg (NM_001127511.3); c.6200A>G, p.Lys2067Arg (NM_001354896.2); c.6176A>G, p.Lys2059Arg (NM_001354897.2); c.6071A>G, p.Lys2024Arg (NM_001354898.2); c.6062A>G, p.Lys2021Arg (NM_001354899.2); c.6023A>G, p.Lys2008Arg (NM_001354900.2); c.5969A>G, p.Lys1990Arg (NM_001354901.2); and 5 more; short protein forms K2031R, K2049R, K1766R, K1889R, K1958R, K1990R, K2008R, K2067R.
Identifiers: ClinVar variation 537560 (VCV000537560.10), dbSNP rs1554087254, ClinGen allele CA16034786.